The following is an entry in ClinVar:

NM_005422.4(TECTA):c.1046C>T (p.Ala349Val)

Genes: TBCEL-TECTA (TBCEL-TECTA readthrough; plus strand), TECTA (tectorin alpha; plus strand). Cytogenetic location: 11q23.3.
Variant type: single nucleotide variant.
Coding change: c.1046C>T on transcript NM_005422.4 (MANE Select); coding-DNA position 1046, C replaced by T.
Protein change: p.Ala349Val; replaces alanine 349 with valine.
Molecular consequence: missense variant.
Genome position (GRCh38, 1-based): chr11:121,118,561, C>T. VCF-style: chr11-121118561-C-T. GRCh37 (hg19) VCF-style: chr11-120989270-C-T.
Other names: c.2003C>T, p.Ala668Val (NM_001378761.1); short protein forms A668V, A349V.
Identifiers: ClinVar variation 3454649 (VCV003454649.3).
Genomic context (GRCh38, chr11:121,118,561, plus strand): 5'-ACTACCACACTTTTGACGGCTTCCTCTTCCACTTCCAAGGCTCCTGTGCCTACTTGCTGG[C>T]CCGACAGTGTTTGCAGACTTCCAGCCTCCCTTTCTTCAGTGTGGAGGCCAAGAATGAACA-3'
Protein context (NP_005413.2, residues 339-359): HFQGSCAYLL[Ala349Val]RQCLQTSSLP

ClinVar aggregate classification (germline): Uncertain significance. Review status: criteria provided, multiple submitters, no conflicts (2 of 4 stars). 2 submissions from 2 submitters: Uncertain significance (2). Last evaluated 2024-11-10.

Conditions:
Inborn genetic diseases. Identifiers: MedGen C0950123, MeSH D030342.

gnomAD v4.1: 4 of 1,614,070 alleles (0.00025%); highest among the groups gnomAD compares: African/African-American, 0.0053%; no homozygotes.

Submissions (2):

Ambry Genetics
Classification: Uncertain significance for Inborn genetic diseases. Last evaluated: 2024-11-10. Review status: criteria provided, single submitter. Criteria: Ambry Variant Classification Scheme 2023. Collection method: clinical testing. Allele origin: germline.

Labcorp Genetics (formerly Invitae), Labcorp
Classification: Uncertain significance. Last evaluated: 2024-10-17. Review status: criteria provided, single submitter. Criteria: Invitae Variant Classification Sherloc (09022015). Collection method: clinical testing. Allele origin: germline.
Comment: This sequence change replaces alanine, which is neutral and non-polar, with valine, which is neutral and non-polar, at codon 349 of the TECTA protein (p.Ala349Val). This variant is not present in population databases (gnomAD no frequency). This variant has not been reported in the literature in individuals affected with TECTA-related conditions. Invitae Evidence Modeling of protein sequence and biophysical properties (such as structural, functional, and spatial information, amino acid conservation, physicochemical variation, residue mobility, and thermodynamic stability) indicates that this missense variant is not expected to disrupt TECTA protein function with a negative predictive value of 95%. In summary, the available evidence is currently insufficient to determine the role of this variant in disease. Therefore, it has been classified as a Variant of Uncertain Significance.